The following is an entry in ClinVar:

NM_144997.7(FLCN):c.296del (p.Asp99fs)

Gene: FLCN (folliculin; minus strand). Cytogenetic location: 17p11.2.
Variant type: Deletion.
Coding change: c.296del on transcript NM_144997.7 (MANE Select); coding-DNA position 296, one base deleted (A; older notation c.296delA).
Protein change: p.Asp99fs; shifts the reading frame from aspartic acid 99.
Molecular consequence: frameshift variant.
Genome position (GRCh38, 1-based): chr17:17,226,276, T deleted on the plus strand (A on the coding strand, the reverse complement: FLCN is on the minus strand). VCF-style (leftmost placement, unchanged base first): chr17-17226275-AT-A. GRCh37 (hg19) VCF-style: chr17-17129589-AT-A.
Other names: p.Asp99Valfs*31; c.296del (LRG_325t1, NM_144997.5, NM_144997.6); c.296del, p.Asp99fs (NM_001353229.2, NM_001353230.2, NM_001353231.2 and 1 more transcripts); short protein forms D99fs.
Identifiers: ClinVar variation 96482 (VCV000096482.31), dbSNP rs398124534, ClinGen allele CA224167.
Genomic context (GRCh38, chr17:17,226,275, plus strand): 5'-GCTGAAGAGCTGGGGGTGGCTGGGGTGCTGGTGGCTGACGTATTTAATGGAGGTCTCTTT[AT>A]CATGGCTGATATATCCCGGGTGCCCTGCAGCAAGTGACCGGCAGCCCTGTCCATGAAAAG-3'

ClinVar aggregate classification (germline): Pathogenic. Review status: criteria provided, multiple submitters, no conflicts (2 of 4 stars). 10 submissions from 10 submitters: Pathogenic (10). Last evaluated 2026-01-14.

Conditions:
Nonpapillary renal cell carcinoma. Identifiers: Orphanet 422526, MedGen CN074294, MONDO:0007763, OMIM 144700.
Familial spontaneous pneumothorax (PSP). Identifiers: Orphanet 2903, MedGen C1868193, MONDO:0008259, OMIM 173600.
Birt-Hogg-Dube syndrome 1 (BHD1). Also called: FIBROFOLLICULOMAS WITH TRICHODISCOMAS AND ACROCHORDONS. Identifiers: Orphanet 122, MedGen CN375946, MONDO:0800445, OMIM 135150.
Colorectal cancer. Also called: Colorectal cancer, somatic; Malignant Colorectal Neoplasm. Identifiers: MedGen C0346629, MONDO:0005575, OMIM 114500.
Hereditary cancer-predisposing syndrome. Also called: Hereditary Cancer Syndrome; Neoplastic Syndromes, Hereditary; Hereditary neoplastic syndrome; Tumor predisposition. Identifiers: Orphanet 140162, MedGen C0027672, MeSH D009386, MONDO:0015356.
Birt-Hogg-Dube syndrome. Also called: Birt Hogg Dubé syndrome. Identifiers: Orphanet 122, MedGen C0346010, MONDO:0800444.

Submissions (10):

Labcorp Genetics (formerly Invitae), Labcorp
Classification: Pathogenic for Birt-Hogg-Dube syndrome. Last evaluated: 2026-01-14. Review status: criteria provided, single submitter. Criteria: Invitae Variant Classification Sherloc (09022015). Collection method: clinical testing. Allele origin: germline.
Comment: This sequence change creates a premature translational stop signal (p.Asp99Valfs*31) in the FLCN gene. It is expected to result in an absent or disrupted protein product. Loss-of-function variants in FLCN are known to be pathogenic (PMID: 15852235). This variant is not present in population databases (gnomAD no frequency). This premature translational stop signal has been observed in individual(s) with Birt-Hogg-Dubé syndrome (PMID: 15852235, 18234728). This variant is also known as c.751delA. ClinVar contains an entry for this variant (Variation ID: 96482). For these reasons, this variant has been classified as Pathogenic.

Mayo Clinic Laboratories, Mayo Clinic
Classification: Pathogenic. Last evaluated: 2025-09-18. Review status: criteria provided, single submitter. Criteria: ACMG Guidelines, 2015. Collection method: clinical testing. Allele origin: germline. Observed: 5 variant alleles.
Comment: PP4, PM2_supporting, PVS1

ARUP Laboratories, Molecular Genetics and Genomics, ARUP Laboratories
Classification: Pathogenic. Last evaluated: 2025-03-24. Review status: criteria provided, single submitter. Criteria: ARUP Molecular Germline Variant Investigation Process 2024. Collection method: clinical testing. Allele origin: germline.
Comment: The FLCN c.296del; p.Asp99ValfsTer31 variant (rs398124534), also published as c.751delA, is reported in the literature in multiple individuals and families affected with Birt-Hogg-Dube syndrome and has been reported to segregate with disease (Mahtani 2021, Schmidt 2005, Toro 2008). This variant is also absent from the Genome Aggregation Database (v2.1.1), indicating it is not a common polymorphism. This variant causes a frameshift by deleting a single nucleotide, so it is predicted to result in a truncated protein or mRNA subject to nonsense-mediated decay. Based on available information, this variant is considered to be pathogenic. References: Mahtani K et al. Importance of Family History in the Era of Exome Analysis: A Report of a Family with Multiple Concurrent Genetic Diseases. Hum Hered. 2021;86(1-4):28-33. PMID: 34706366. Schmidt LS et al. Germline BHD-mutation spectrum and phenotype analysis of a large cohort of families with Birt-Hogg-DubÃ© syndrome. Am J Hum Genet. 2005 Jun;76(6):1023-33. PMID: 15852235. Toro JR et al. BHD mutations, clinical and molecular genetic investigations of Birt-Hogg-DubÃ© syndrome: a new series of 50 families and a review of published reports. J Med Genet. 2008 Jun;45(6):321-31. PMID: 18234728.

Ambry Genetics
Classification: Pathogenic for Hereditary cancer-predisposing syndrome. Last evaluated: 2024-07-30. Review status: criteria provided, single submitter. Criteria: Ambry Variant Classification Scheme 2023. Collection method: clinical testing. Allele origin: germline.
Comment: The c.296delA pathogenic mutation, located in coding exon 2 of the FLCN gene, results from a deletion of one nucleotide at nucleotide position 296, causing a translational frameshift with a predicted alternate stop codon (p.D99Vfs*31). This alteration was previously described in two unrelated families with Birt-Hogg-Dube syndrome, one of which had two family members with fibrofolliculomas and lung cysts, and one of which consisted of an individual with fibrofolliculomas, renal tumors, lung cysts, and multiple pneumothoraces (Toro JR, J. Med. Genet. 2008 Jun; 45(6):321-31; Schmidt LS, Am. J. Hum. Genet. 2005 Jun; 76(6):1023-33). Of note, this alteration is also designated as c.751delA in the published literature. This variant is considered to be rare based on population cohorts in the Genome Aggregation Database (gnomAD). In addition to the clinical data presented in the literature, this alteration is expected to result in loss of function by premature protein truncation or nonsense-mediated mRNA decay. As such, this alteration is interpreted as a disease-causing mutation.

Fulgent Genetics
Classification: Pathogenic for Colorectal cancer; Birt-Hogg-Dube syndrome 1; Nonpapillary renal cell carcinoma; Familial spontaneous pneumothorax. Last evaluated: 2024-06-05. Review status: criteria provided, single submitter. Criteria: ACMG Guidelines, 2015. Collection method: clinical testing. Allele origin: germline.

Quest Diagnostics Nichols Institute San Juan Capistrano
Classification: Pathogenic. Last evaluated: 2024-01-05. Review status: criteria provided, single submitter. Criteria: Quest Diagnostics criteria. Collection method: clinical testing. Allele origin: unknown.
Comment: The FLCN c.296del (p.Asp99Valfs*31, also known as c.751delA) variant alters the translational reading frame of the FLCN mRNA and causes the premature termination of FLCN protein synthesis. This variant has been reported in the published literature in in individuals with Birt-Hogg-Dube (BHD) syndrome (PMID: 15852235 (2005), 18234728 (2008)). This variant has not been reported in large, multi-ethnic general populations (Genome Aggregation Database). Based on the available information, this variant is classified as pathogenic.

Myriad Genetics, Inc.
Classification: Pathogenic for Birt-Hogg-Dube syndrome 1. Last evaluated: 2023-01-19. Review status: criteria provided, single submitter. Criteria: Myriad Autosomal Dominant, Autosomal Recessive and X-Linked Classification Criteria (2023). Collection method: clinical testing. Allele origin: unknown.
Comment: This variant is considered pathogenic. This variant creates a frameshift predicted to result in premature protein truncation.

GeneDx
Classification: Pathogenic. Last evaluated: 2021-02-15. Review status: criteria provided, single submitter. Criteria: GeneDx Variant Classification Process June 2021. Collection method: clinical testing. Allele origin: germline. Affected: yes.
Comment: Frameshift variant predicted to result in protein truncation or nonsense mediated decay in a gene for which loss-of-function is a known mechanism of disease; Not observed in large population cohorts (Lek et al., 2016); This variant is associated with the following publications: (PMID: 19802896, 18234728, 21937013, 23757202, 29357828, 15852235)

Genomic Diagnostic Laboratory, Division of Genomic Diagnostics, Children's Hospital of Philadelphia
Classification: Pathogenic for Birt-Hogg-Dube Syndrome. Last evaluated: 2016-07-18. Review status: criteria provided, single submitter. Criteria: DGD Variant Analysis Guidelines. Collection method: clinical testing. Allele origin: germline. Affected: yes. Observed: 1 variant allele.
Comment: Clinical Testing

Eurofins Ntd Llc (ga)
Classification: Pathogenic. Last evaluated: 2012-12-26. Review status: criteria provided, single submitter. Criteria: EGL Classification Definitions 2015. Collection method: clinical testing. Allele origin: germline. Observed: 1 variant allele, 1 heterozygote.

Literature cited by the submitters: PubMed 15852235 (cited by 4 submitters); PubMed 18234728 (cited by 4 submitters).